The following is an entry in ClinVar:

NM_133497.4(KCNV2):c.1356+4A>T

Gene: KCNV2 (potassium voltage-gated channel modifier subfamily V member 2; plus strand). Cytogenetic location: 9p24.2.
Variant type: single nucleotide variant.
Coding change: c.1356+4A>T on transcript NM_133497.4 (MANE Select); 4 bases into the intron after coding-DNA position 1356, A replaced by T.
Molecular consequence: intron variant.
Genome position (GRCh38, 1-based): chr9:2,719,099, A>T. VCF-style: chr9-2719099-A-T. GRCh37 (hg19) VCF-style: chr9-2719099-A-T.
Identifiers: ClinVar variation 1478512 (VCV001478512.5), dbSNP rs2130862121, ClinGen allele CA2573144443.
Genomic context (GRCh38, chr9:2,719,099, plus strand): 5'-CACGATGTGCCCAGCACCAACTTCACTACCATCCCCCACTCCTGGTGGTGGGCCGCGGTG[A>T]GTACCTTTGCCCTGGGCTTTCCCATCCTCTTCCCCAGCCCAGTGAGCTGCTCCTCCCTCC-3'

ClinVar aggregate classification (germline): Uncertain significance (1 of 4 stars; one submission).

gnomAD v4.1: 1 of 1,607,752 alleles (0.000062%); no homozygotes.

Submission:

Labcorp Genetics (formerly Invitae), Labcorp
Classification: Uncertain significance. Last evaluated: 2025-08-21. Review status: criteria provided, single submitter. Criteria: Invitae Variant Classification Sherloc (09022015). Collection method: clinical testing. Allele origin: germline.
Comment: This sequence change falls in intron 1 of the KCNV2 gene. It does not directly change the encoded amino acid sequence of the KCNV2 protein. It affects a nucleotide within the consensus splice site. This variant is not present in population databases (gnomAD no frequency). This variant has not been reported in the literature in individuals affected with KCNV2-related conditions. ClinVar contains an entry for this variant (Variation ID: 1478512). Variants that disrupt the consensus splice site are a relatively common cause of aberrant splicing (PMID: 17576681, 9536098). Algorithms developed to predict the effect of sequence changes on RNA splicing suggest that this variant may disrupt the consensus splice site. In summary, the available evidence is currently insufficient to determine the role of this variant in disease. Therefore, it has been classified as a Variant of Uncertain Significance.

Literature cited by the submitters: PubMed 17576681; PubMed 9536098.